The following is an entry in ClinVar:

NM_000090.4(COL3A1):c.560C>G (p.Thr187Arg)

Gene: COL3A1 (collagen type III alpha 1 chain; plus strand). Cytogenetic location: 2q32.2.
Variant type: single nucleotide variant.
Coding change: c.560C>G on transcript NM_000090.4 (MANE Select); coding-DNA position 560, C replaced by G.
Protein change: p.Thr187Arg; replaces threonine 187 with arginine.
Molecular consequence: missense variant.
Genome position (GRCh38, 1-based): chr2:188,988,112, C>G. VCF-style: chr2-188988112-C-G. GRCh37 (hg19) VCF-style: chr2-189852838-C-G.
Other names: short protein forms T187R.
Identifiers: ClinVar variation 3386434 (VCV003386434.3).

ClinVar aggregate classification (germline): Uncertain significance. Review status: criteria provided, multiple submitters, no conflicts (2 of 4 stars). 2 submissions from 2 submitters: Uncertain significance (2). Last evaluated 2024-08-14.

Conditions:
Ehlers-Danlos syndrome, type 4 (EDSVASC). Also called: Ehlers-Danlos syndrome vascular type; Ehlers Danlos syndrome, ecchymotic type; Ehlers Danlos syndrome, arterial type; Ehlers Danlos syndrome, Sack-Barabas type; Ehlers-Danlos Syndrome Type IV. Identifiers: Orphanet 286, MedGen C0268338, MONDO:0017314, OMIM 130050.

Submissions (2):

Labcorp Genetics (formerly Invitae), Labcorp
Classification: Uncertain significance for Ehlers-Danlos syndrome, type 4. Last evaluated: 2024-08-14. Review status: criteria provided, single submitter. Criteria: Invitae Variant Classification Sherloc (09022015). Collection method: clinical testing. Allele origin: germline.
Comment: This sequence change replaces threonine, which is neutral and polar, with arginine, which is basic and polar, at codon 187 of the COL3A1 protein (p.Thr187Arg). This variant is not present in population databases (gnomAD no frequency). This variant has not been reported in the literature in individuals affected with COL3A1-related conditions. Invitae Evidence Modeling of protein sequence and biophysical properties (such as structural, functional, and spatial information, amino acid conservation, physicochemical variation, residue mobility, and thermodynamic stability) indicates that this missense variant is not expected to disrupt COL3A1 protein function with a negative predictive value of 95%. In summary, the available evidence is currently insufficient to determine the role of this variant in disease. Therefore, it has been classified as a Variant of Uncertain Significance.

All of Us Research Program, National Institutes of Health
Classification: Uncertain significance for Ehlers-Danlos syndrome, type 4. Last evaluated: 2024-04-16. Review status: criteria provided, single submitter. Criteria: ACMG Guidelines, 2015. Collection method: clinical testing. Allele origin: germline. Inheritance: Autosomal dominant inheritance. Observed: 1 variant allele, 1 heterozygote.
Comment: This missense variant replaces threonine with arginine at codon 187 of the COL3A1 protein. Computational prediction suggests that this variant may not impact protein structure and function (internally defined REVEL score threshold <= 0.5, PMID: 27666373). To our knowledge, functional studies have not been reported for this variant. This variant has not been reported in individuals affected with COL3A1-related disorders in the literature. This variant has not been identified in the general population by the Genome Aggregation Database (gnomAD). The available evidence is insufficient to determine the role of this variant in disease conclusively. Therefore, this variant is classified as a Variant of Uncertain Significance.

This study involves interpretation of variants in research participants for the purpose of population health screening. Participant phenotype was not available at the time of variant classification. Additional details can be found in publication PMID: 35346344, PMCID: PMC8962531